The following is an entry in ClinVar:

NM_001134382.3(IQSEC1):c.174G>T (p.Pro58=)

Gene: IQSEC1 (IQ motif and Sec7 domain ArfGEF 1; minus strand). Cytogenetic location: 3p25.2.
Variant type: single nucleotide variant.
Coding change: c.174G>T on transcript NM_001134382.3 (MANE Select); coding-DNA position 174, G replaced by T.
Protein change: p.Pro58=; no amino-acid change (proline 58 retained).
Molecular consequence: synonymous variant. On other transcripts: 5 prime UTR variant (1).
Genome position (GRCh38, 1-based): chr3:12,941,715, C>A on the plus strand (G>T on the coding strand, the complement: IQSEC1 is on the minus strand). VCF-style: chr3-12941715-C-A. GRCh37 (hg19) VCF-style: chr3-12983215-C-A.
Other names: c.-151G>T (NM_001330619.3); c.498G>T, p.Pro166= (NM_001376938.2); c.216G>T, p.Pro72= (NM_014869.8).
Identifiers: ClinVar variation 788092 (VCV000788092.27), dbSNP rs372674922, ClinGen allele CA2262576.

ClinVar aggregate classification (germline): Benign/Likely benign. Review status: criteria provided, multiple submitters, no conflicts (2 of 4 stars). 2 submissions from 2 submitters: Benign (1); Likely benign (1). Last evaluated 2023-05-01.

Allele frequency attached by ClinVar (database versions not stated): TOPMed 0.00001; 1000 Genomes Project 0.00060; 1000 Genomes Project 30x 0.00062.
gnomAD v4.1: 443 of 1,612,556 alleles (0.027%); highest among the groups gnomAD compares: South Asian, 0.46%; 8 homozygotes.

Submissions (2):

CeGaT Center for Human Genetics Tuebingen
Classification: Likely benign. Last evaluated: 2023-05-01. Review status: criteria provided, single submitter. Criteria: CeGaT Center For Human Genetics Tuebingen Variant Classification Criteria Version 2. Collection method: clinical testing. Allele origin: germline. Affected: yes. Observed: 1 variant allele.
Comment: IQSEC1: BP4, BP7, BS2

Labcorp Genetics (formerly Invitae), Labcorp
Classification: Benign. Last evaluated: 2018-06-15. Review status: criteria provided, single submitter. Criteria: Invitae Variant Classification Sherloc (09022015). Collection method: clinical testing. Allele origin: germline.